The following is an entry in ClinVar:

NM_004082.5(DCTN1):c.453+6A>G

Gene: DCTN1 (dynactin subunit 1; minus strand). Cytogenetic location: 2p13.1.
Variant type: single nucleotide variant.
Coding change: c.453+6A>G on transcript NM_004082.5 (MANE Select); 6 bases into the intron after coding-DNA position 453, A replaced by G.
Molecular consequence: intron variant.
Genome position (GRCh38, 1-based): chr2:74,372,922, T>C on the plus strand (A>G on the coding strand, the complement: DCTN1 is on the minus strand). VCF-style: chr2-74372922-T-C. GRCh37 (hg19) VCF-style: chr2-74600049-T-C.
Other names: c.384+6A>G (NM_001378992.1); c.402+6A>G (NM_001378991.1); c.394-1194A>G (NM_001135040.3); c.432+6A>G (NM_001190837.2); c.51+6A>G (NM_001135041.3, NM_023019.4); c.343-1194A>G (NM_001190836.2).
Identifiers: ClinVar variation 2927554 (VCV002927554.3), dbSNP rs775577235, ClinGen allele CA1722414.

ClinVar aggregate classification (germline): Uncertain significance (1 of 4 stars; one submission).

Conditions:
Amyotrophic lateral sclerosis type 1 (ALS1). Also called: AMYOTROPHIC LATERAL SCLEROSIS 1, FAMILIAL. Identifiers: Orphanet 803, MedGen C1862939, MONDO:0007103, OMIM 105400.
Neuronopathy, distal hereditary motor, type 7B. Also called: NEURONOPATHY, DISTAL HEREDITARY MOTOR, AUTOSOMAL DOMINANT 14; NEURONOPATHY, DISTAL HEREDITARY MOTOR, HARDING TYPE VIIB; NEUROPATHY, DISTAL HEREDITARY MOTOR, HARDING TYPE VIIB; NEUROPATHY, DISTAL HEREDITARY MOTOR, WITH VOCAL CORD PARALYSIS, HARDING TYPE VIIB; Distal Hereditary Motor Neuronopathy Type 7B (dHMN7B); HMN VIIB. Identifiers: Orphanet 139589, MedGen C1843315, MONDO:0011879, OMIM 607641.
Perry syndrome. Also called: PARKINSONISM WITH ALVEOLAR HYPOVENTILATION AND MENTAL DEPRESSION. Identifiers: Orphanet 178509, MedGen C1868594, MONDO:0008201, OMIM 168605.

Allele frequency attached by ClinVar (database versions not stated): gnomAD exomes 0.00001; ExAC 0.00002.
gnomAD v4.1: 6 of 1,614,084 alleles (0.00037%); highest among the groups gnomAD compares: Admixed American, 0.0067%; no homozygotes.

Submission:

Labcorp Genetics (formerly Invitae), Labcorp
Classification: Uncertain significance for Amyotrophic lateral sclerosis type 1; Neuronopathy, distal hereditary motor, type 7B; Perry syndrome. Last evaluated: 2025-09-11. Review status: criteria provided, single submitter. Criteria: Invitae Variant Classification Sherloc (09022015). Collection method: clinical testing. Allele origin: germline.
Comment: This sequence change falls in intron 7 of the DCTN1 gene. It does not directly change the encoded amino acid sequence of the DCTN1 protein. It affects a nucleotide within the consensus splice site. This variant is present in population databases (rs775577235, gnomAD 0.009%). This variant has not been reported in the literature in individuals affected with DCTN1-related conditions. ClinVar contains an entry for this variant (Variation ID: 2927554). Variants that disrupt the consensus splice site are a relatively common cause of aberrant splicing (PMID: 17576681, 9536098). Algorithms developed to predict the effect of sequence changes on RNA splicing suggest that this variant is not likely to affect RNA splicing. In summary, the available evidence is currently insufficient to determine the role of this variant in disease. Therefore, it has been classified as a Variant of Uncertain Significance.

Literature cited by the submitters: PubMed 17576681; PubMed 9536098.